The following is an entry in ClinVar:

ClinVar aggregate classification (germline): Uncertain significance (1 of 4 stars; one submission).

Conditions:
Hereditary sensory and autonomic neuropathy type 6. Also called: HSAN VI; Neuropathy, hereditary sensory and autonomic, type VI. Identifiers: Orphanet 314381, MedGen C3539003, MONDO:0013839, OMIM 614653.
Epidermolysis bullosa simplex 3, localized or generalized intermediate, with BP230 deficiency (EBS3). Also called: Epidermolysis bullosa simplex, autosomal recessive 2; Epidermolysis bullosa simplex due to BP230 deficiency. Identifiers: Orphanet 412181, MedGen C3809470, MONDO:0014180, OMIM 615425.

Allele frequency attached by ClinVar (database versions not stated): TOPMed below 0.00001.
gnomAD v4.1: 5 of 1,613,974 alleles (0.00031%); highest among the groups gnomAD compares: African/African-American, 0.0027%; no homozygotes.

Submission:

Labcorp Genetics (formerly Invitae), Labcorp
Classification: Uncertain significance for Epidermolysis bullosa simplex 3, localized or generalized intermediate, with BP230 deficiency; Hereditary sensory and autonomic neuropathy type 6. Last evaluated: 2018-01-24. Review status: criteria provided, single submitter. Criteria: Invitae Variant Classification Sherloc (09022015). Collection method: clinical testing. Allele origin: germline.
Comment: Algorithms developed to predict the effect of missense changes on protein structure and function do not agree on the potential impact of this missense change (SIFT: "Tolerated"; PolyPhen-2: "Possibly Damaging"; Align-GVGD: "Class C0"). This sequence change replaces glutamine with arginine at codon 1153 of the DST protein (p.Gln1153Arg). The glutamine residue is weakly conserved and there is a small physicochemical difference between glutamine and arginine. This variant is not present in population databases (ExAC no frequency). This variant has not been reported in the literature in individuals with DST-related disease. In summary, the available evidence is currently insufficient to determine the role of this variant in disease. Therefore, it has been classified as a Variant of Uncertain Significance.

NM_001723.7(DST):c.3458A>G (p.Gln1153Arg)

Gene: DST (dystonin; minus strand). Cytogenetic location: 6p12.1.
Variant type: single nucleotide variant.
Coding change: c.3458A>G on transcript NM_001723.7 (MANE Plus Clinical); coding-DNA position 3458, A replaced by G.
Protein change: p.Gln1153Arg; replaces glutamine 1153 with arginine.
Molecular consequence: missense variant. On other transcripts: intron variant (10).
Genome position (GRCh38, 1-based): chr6:56,620,576, T>C on the plus strand (A>G on the coding strand, the complement: DST is on the minus strand). VCF-style: chr6-56620576-T-C. GRCh37 (hg19) VCF-style: chr6-56485374-T-C.
Other names: c.4830+3954A>G (NM_001144769.5); c.4929+3954A>G (NM_001374722.1, NM_001374736.1); c.4956+3954A>G (NM_001374734.1); c.4416+3954A>G (NM_001144770.2); c.4296+3954A>G (NM_001374730.1, NM_001386100.1, NM_183380.4 and 1 more transcripts); c.3318+3954A>G (NM_015548.5); short protein forms Q1153R.
Identifiers: ClinVar variation 565447 (VCV000565447.9), dbSNP rs1372393383, ClinGen allele CA364571861.